The following is an entry in ClinVar:

NM_002547.3(OPHN1):c.1913T>G (p.Leu638Arg)

Gene: OPHN1 (oligophrenin 1; minus strand). Cytogenetic location: Xq12.
Variant type: single nucleotide variant.
Coding change: c.1913T>G on transcript NM_002547.3 (MANE Select); coding-DNA position 1913, T replaced by G.
Protein change: p.Leu638Arg; replaces leucine 638 with arginine.
Molecular consequence: missense variant.
Genome position (GRCh38, 1-based): chrX:68,064,099, A>C on the plus strand (T>G on the coding strand, the complement: OPHN1 is on the minus strand). VCF-style: chrX-68064099-A-C. GRCh37 (hg19) VCF-style: chrX-67283941-A-C.
Other names: c.1913T>G (NM_002547.2); short protein forms L638R.
Identifiers: ClinVar variation 2158460 (VCV002158460.5), dbSNP rs745376525, ClinGen allele CA10436808.
Genomic context (GRCh38, chrX:68,064,099, plus strand): 5'-AAAATAGGCCTGCTTGGGGACTTCCTCCCAGGATCAGTTTCCCCACTCCTCTGAATAGGT[A>C]GTTTGGGGTGTTGTGGTGGCTTGGGGGGTTCTATGCTGCTGGTGATAGTACCATTCGGTG-3'
Protein context (NP_002538.1, residues 628-648): EPPKPPQHPK[Leu638Arg]PIQRSGETDP

ClinVar aggregate classification (germline): Uncertain significance. Review status: criteria provided, multiple submitters, no conflicts (2 of 4 stars). 3 submissions from 3 submitters: Uncertain significance (3). Last evaluated 2024-08-26.

Conditions:
Inborn genetic diseases. Identifiers: MedGen C0950123, MeSH D030342.

Allele frequency attached by ClinVar (database versions not stated): ExAC 0.00001.
gnomAD v4.1: 2 of 1,209,560 alleles (0.00017%); highest among the groups gnomAD compares: Non-Finnish European, 0.00022%; no homozygotes.

Submissions (3):

Blueprint Genetics
Classification: Uncertain significance. Last evaluated: 2024-08-26. Review status: criteria provided, single submitter. Criteria: ACMG Guidelines, 2015. Collection method: clinical testing. Allele origin: germline.

Ambry Genetics
Classification: Uncertain significance for Inborn genetic diseases. Last evaluated: 2024-01-03. Review status: criteria provided, single submitter. Criteria: Ambry Variant Classification Scheme 2023. Collection method: clinical testing. Allele origin: germline.

Labcorp Genetics (formerly Invitae), Labcorp
Classification: Uncertain significance. Last evaluated: 2022-06-05. Review status: criteria provided, single submitter. Criteria: Invitae Variant Classification Sherloc (09022015). Collection method: clinical testing. Allele origin: germline.
Comment: This sequence change replaces leucine, which is neutral and non-polar, with arginine, which is basic and polar, at codon 638 of the OPHN1 protein (p.Leu638Arg). This variant is present in population databases (rs745376525, gnomAD 0.001%). This variant has not been reported in the literature in individuals affected with OPHN1-related conditions. Algorithms developed to predict the effect of missense changes on protein structure and function (SIFT, PolyPhen-2, Align-GVGD) all suggest that this variant is likely to be tolerated. In summary, the available evidence is currently insufficient to determine the role of this variant in disease. Therefore, it has been classified as a Variant of Uncertain Significance.